The following is an entry in ClinVar:

NM_001199107.2(TBC1D24):c.343C>T (p.Arg115Cys)

Gene: TBC1D24 (TBC1 domain family member 24; plus strand). Cytogenetic location: 16p13.3.
Variant type: single nucleotide variant.
Coding change: c.343C>T on transcript NM_001199107.2 (MANE Select); coding-DNA position 343, C replaced by T.
Protein change: p.Arg115Cys; replaces arginine 115 with cysteine.
Molecular consequence: missense variant.
Genome position (GRCh38, 1-based): chr16:2,496,491, C>T. VCF-style: chr16-2496491-C-T. GRCh37 (hg19) VCF-style: chr16-2546492-C-T.
Other names: p.R115C:CGC>TGC; p.Arg115Cys; c.343C>T, p.Arg115Cys (NM_020705.3); short protein forms R115C.
Identifiers: ClinVar variation 207496 (VCV000207496.19), dbSNP rs372531999, ClinGen allele CA319015.

ClinVar aggregate classification (germline): Uncertain significance. Review status: criteria provided, multiple submitters, no conflicts (2 of 4 stars). 5 submissions from 5 submitters: Uncertain significance (5). Last evaluated 2026-04-10.

Conditions:
Autosomal dominant nonsyndromic hearing loss 65. Also called: Deafness, autosomal dominant 65; TBC1D24-Related Autosomal Dominant Nonsyndromic Hearing Loss (DFNA). Identifiers: Orphanet 90635, MedGen C3892048, MONDO:0014470, OMIM 616044.
Developmental and epileptic encephalopathy, 1 (DEE1). Also called: Epileptic encephalopathy, early infantile, 1; X-linked infantile spasms; West's syndrome; Tonic spasms with clustering, arrest of psychomotor development and hypsarrhythmia on EEG; X-Linked Infantile Spasm Syndrome; INFANTILE SPASM SYNDROME, X-LINKED 1. Identifiers: MedGen C3463992, MONDO:0010632, OMIM 308350. Disease mechanism: loss of function.
TBC1D24-related disorder. Also called: TBC1D24-related condition; TBC1D24-related disorders. Identifiers: MedGen CN381194.
Inborn genetic diseases. Identifiers: MedGen C0950123, MeSH D030342.

Allele frequency attached by ClinVar (database versions not stated): ExAC 0.00003; gnomAD 0.00007 and 0.00008; gnomAD exomes 0.00007; ESP Exome Variant Server 0.00008; TOPMed 0.00009.
gnomAD v4.1: 57 of 1,609,854 alleles (0.0035%); highest among the groups gnomAD compares: African/African-American, 0.032%; no homozygotes.

Submissions (5):

PreventionGenetics, part of Exact Sciences
Classification: Uncertain significance for TBC1D24-related condition. Last evaluated: 2026-04-10. Review status: criteria provided, single submitter. Criteria: ACMG Guidelines, 2015. Collection method: clinical testing. Allele origin: germline.
Comment: The TBC1D24 c.343C>T variant is predicted to result in the amino acid substitution p.Arg115Cys. To our knowledge, this variant has not been reported in the literature. This variant is reported in 0.029% of alleles in individuals of African descent in gnomAD. At this time, the clinical significance of this variant is uncertain due to the absence of conclusive functional and genetic evidence.

Labcorp Genetics (formerly Invitae), Labcorp
Classification: Uncertain significance for Developmental and epileptic encephalopathy, 1; Autosomal dominant nonsyndromic hearing loss 65. Last evaluated: 2025-10-17. Review status: criteria provided, single submitter. Criteria: Invitae Variant Classification Sherloc (09022015). Collection method: clinical testing. Allele origin: germline.
Comment: This sequence change replaces arginine, which is basic and polar, with cysteine, which is neutral and slightly polar, at codon 115 of the TBC1D24 protein (p.Arg115Cys). This variant is present in population databases (rs372531999, gnomAD 0.03%). This variant has not been reported in the literature in individuals affected with TBC1D24-related conditions. ClinVar contains an entry for this variant (Variation ID: 207496). Invitae Evidence Modeling of protein sequence and biophysical properties (such as structural, functional, and spatial information, amino acid conservation, physicochemical variation, residue mobility, and thermodynamic stability) indicates that this missense variant is not expected to disrupt TBC1D24 protein function with a negative predictive value of 80%. In summary, the available evidence is currently insufficient to determine the role of this variant in disease. Therefore, it has been classified as a Variant of Uncertain Significance.

GeneDx
Classification: Uncertain significance. Last evaluated: 2025-10-14. Review status: criteria provided, single submitter. Criteria: GeneDx Variant Classification Process June 2021. Collection method: clinical testing. Allele origin: germline. Affected: yes.
Comment: In silico analysis supports that this missense variant has a deleterious effect on protein structure/function; Has not been previously published as pathogenic or benign to our knowledge

Mayo Clinic Laboratories, Mayo Clinic
Classification: Uncertain significance. Last evaluated: 2023-05-05. Review status: criteria provided, single submitter. Criteria: ACMG Guidelines, 2015. Collection method: clinical testing. Allele origin: germline. Observed: 1 variant allele.
Comment: BP4, PM2

Ambry Genetics
Classification: Uncertain significance for Inborn genetic diseases. Last evaluated: 2018-11-16. Review status: criteria provided, single submitter. Criteria: Ambry Variant Classification Scheme 2023. Collection method: clinical testing. Allele origin: germline.
Comment: The p.R115C variant (also known as c.343C>T), located in coding exon 1 of the TBC1D24 gene, results from a C to T substitution at nucleotide position 343. The arginine at codon 115 is replaced by cysteine, an amino acid with highly dissimilar properties. This amino acid position is not well conserved in available vertebrate species. In addition, this alteration is predicted to be tolerated by in silico analysis. Since supporting evidence is limited at this time, the clinical significance of this alteration remains unclear.

Literature cited by the submitters: PubMed 24291220 (cited by Mayo Clinic Laboratories, Mayo Clinic).